The following is an entry in ClinVar:

ClinVar aggregate classification (germline): Conflicting classifications of pathogenicity. Review status: criteria provided, conflicting classifications (1 of 4 stars). 9 submissions from 8 submitters: Uncertain significance (2); Benign (1); Likely benign (5). 1 of the submissions does not count toward it. Last evaluated 2026-03-01.

Conditions:
Inborn genetic diseases. Identifiers: MedGen C0950123, MeSH D030342.
SYNE1-related disorder. Also called: SYNE1-related disease; SYNE1-related condition; SYNE1-related disorders.
Emery-Dreifuss muscular dystrophy 4, autosomal dominant (EDMD4). Also called: EMERY-DREIFUSS MUSCULAR DYSTROPHY 4 WITH VARIABLE FEATURES. Identifiers: Orphanet 261, MedGen C2751807, MONDO:0013071, OMIM 612998.
Autosomal recessive ataxia, Beauce type. Also called: SYNE1 Deficiency; SYNE1-Related Autosomal Recessive Cerebellar Ataxia; ATAXIA, RECESSIVE, OF BEAUCE; Spinocerebellar ataxia, autosomal recessive 8. Identifiers: Orphanet 88644, MedGen C1853116, MONDO:0012549, OMIM 610743.

Allele frequency attached by ClinVar (database versions not stated): ExAC 0.00041; gnomAD exomes 0.00045; 1000 Genomes Project 0.00060; 1000 Genomes Project 30x 0.00062; ESP Exome Variant Server 0.00115; gnomAD 0.00117 and 0.00125; TOPMed 0.00134.
gnomAD v4.1: 652 of 1,614,218 alleles (0.04%); highest among the groups gnomAD compares: African/African-American, 0.33%; no homozygotes.

Submissions (9):

CeGaT Center for Human Genetics Tuebingen
Classification: Likely benign. Last evaluated: 2026-03-01. Review status: criteria provided, single submitter. Criteria: CeGaT Center For Human Genetics Tuebingen Variant Classification Criteria Version 2. Collection method: clinical testing. Allele origin: germline. Affected: yes. Observed: 1 variant allele.
Comment: SYNE1: BP4

Labcorp Genetics (formerly Invitae), Labcorp
Classification: Likely benign for Emery-Dreifuss muscular dystrophy 4, autosomal dominant; Autosomal recessive ataxia, Beauce type. Last evaluated: 2026-01-22. Review status: criteria provided, single submitter. Criteria: Invitae Variant Classification Sherloc (09022015). Collection method: clinical testing. Allele origin: germline.

Athena Diagnostics
Classification: Likely benign. Last evaluated: 2024-11-14. Review status: criteria provided, single submitter. Criteria: Athena Diagnostics Criteria. Collection method: clinical testing. Allele origin: unknown.

Ambry Genetics
Classification: Uncertain significance for Inborn genetic diseases. Last evaluated: 2021-11-12. Review status: criteria provided, single submitter. Criteria: Ambry Variant Classification Scheme 2023. Collection method: clinical testing. Allele origin: germline.

GeneDx
Classification: Likely benign. Last evaluated: 2021-03-12. Review status: criteria provided, single submitter. Criteria: GeneDx Variant Classification Process June 2021. Collection method: clinical testing. Allele origin: germline. Affected: yes.

Illumina Laboratory Services, Illumina
Classification: Benign for Emery-Dreifuss muscular dystrophy 4, autosomal dominant. Last evaluated: 2018-01-12. Review status: criteria provided, single submitter. Criteria: ICSL Variant Classification Criteria 13 December 2019. Collection method: clinical testing. Allele origin: germline.
Comment: This variant was observed in the ICSL laboratory as part of a predisposition screen in an ostensibly healthy population. It had not been previously curated by ICSL or reported in the Human Gene Mutation Database (HGMD: prior to June 1st, 2018), and was therefore a candidate for classification through an automated scoring system. Utilizing variant allele frequency, disease prevalence and penetrance estimates, and inheritance mode, an automated score was calculated to assess if this variant is too frequent to cause the disease. Based on the score and internal cut-off values, a variant classified as benign is not then subjected to further curation. The score for this variant resulted in a classification of benign for this disease.

Illumina Laboratory Services, Illumina
Classification: Uncertain significance for Autosomal recessive ataxia, Beauce type. Last evaluated: 2018-01-12. Review status: criteria provided, single submitter. Criteria: ICSL Variant Classification Criteria 13 December 2019. Collection method: clinical testing. Allele origin: germline.

Eurofins Ntd Llc (ga)
Classification: Likely benign. Last evaluated: 2016-11-30. Review status: criteria provided, single submitter. Criteria: EGL Classification Definitions 2015. Collection method: clinical testing. Allele origin: germline. Observed: 4 variant alleles, 4 heterozygotes.

PreventionGenetics, part of Exact Sciences
Classification: Likely benign for SYNE1-related condition. Last evaluated: 2019-10-28. Review status: no assertion criteria provided. Collection method: clinical testing. Allele origin: germline. Not counted in ClinVar's aggregate classification.
Comment: This variant is classified as likely benign based on ACMG/AMP sequence variant interpretation guidelines (Richards et al. 2015 PMID: 25741868, with internal and published modifications).

NM_182961.4(SYNE1):c.16538G>A (p.Arg5513Lys)

Gene: SYNE1 (spectrin repeat containing nuclear envelope protein 1; minus strand). Cytogenetic location: 6q25.2.
Variant type: single nucleotide variant.
Coding change: c.16538G>A on transcript NM_182961.4 (MANE Select); coding-DNA position 16538, G replaced by A.
Protein change: p.Arg5513Lys; replaces arginine 5513 with lysine.
Molecular consequence: missense variant.
Genome position (GRCh38, 1-based): chr6:152,318,115, C>T on the plus strand (G>A on the coding strand, the complement: SYNE1 is on the minus strand). VCF-style: chr6-152318115-C-T. GRCh37 (hg19) VCF-style: chr6-152639250-C-T.
Other names: c.16538G>A (NM_182961.2); c.16325G>A, p.Arg5442Lys (NM_033071.5); short protein forms R5442K, R5513K.
Identifiers: ClinVar variation 285194 (VCV000285194.28), dbSNP rs138745849, ClinGen allele CA4055498.